The following is an entry in ClinVar:

NM_000693.4(ALDH1A3):c.690G>A (p.Val230=)

Genes: ALDH1A3 (aldehyde dehydrogenase 1 family member A3; plus strand), ALDH1A3-AS1 (ALDH1A3 antisense RNA 1; minus strand). Cytogenetic location: 15q26.3.
Variant type: single nucleotide variant.
Coding change: c.690G>A on transcript NM_000693.4 (MANE Select); coding-DNA position 690, G replaced by A.
Protein change: p.Val230=; no amino-acid change (valine 230 retained).
Molecular consequence: synonymous variant. On other transcripts: non-coding transcript variant (1).
Genome position (GRCh38, 1-based): chr15:100,895,956, G>A. VCF-style: chr15-100895956-G-A. GRCh37 (hg19) VCF-style: chr15-101436161-G-A.
Other names: c.369G>A, p.Val123= (NM_001293815.2).
Identifiers: ClinVar variation 473869 (VCV000473869.20), dbSNP rs61757679, ClinGen allele CA7760168.
Genomic context (GRCh38, chr15:100,895,956, plus strand): 5'-CCGTTCTTCTTCAAGTGCTATCTTGATTTCTTCCCAGGCCGGGTTCCCTCCAGGAGTGGT[G>A]AACATTGTGCCAGGATTCGGGCCCACAGTGGGAGCAGCAATTTCTTCTCACCCTCAGATC-3'
Protein context (NP_000684.2, residues 220-240): IKEAGFPPGV[Val230=]NIVPGFGPTV

ClinVar aggregate classification (germline): Likely benign. Review status: criteria provided, multiple submitters, no conflicts (2 of 4 stars). 4 submissions from 4 submitters: Likely benign (3). 1 of the submissions does not count toward it. Last evaluated 2025-09-01.

Conditions:
Isolated microphthalmia 8. Identifiers: Orphanet 2542, MedGen C3554524, MONDO:0014050, OMIM 615113.
ALDH1A3-related disorder. Also called: ALDH1A3-related condition.

Allele frequency attached by ClinVar (database versions not stated): gnomAD exomes 0.00079 and 0.00106; ExAC 0.00085; ESP Exome Variant Server 0.00085; TOPMed 0.00085; 1000 Genomes Project 0.00120; 1000 Genomes Project 30x 0.00141; gnomAD 0.00076.
gnomAD v4.1: 1,638 of 1,613,560 alleles (0.1%); highest among the groups gnomAD compares: Non-Finnish European, 0.12%; 1 homozygote.

Submissions (4):

CeGaT Center for Human Genetics Tuebingen
Classification: Likely benign. Last evaluated: 2025-09-01. Review status: criteria provided, single submitter. Criteria: CeGaT Center For Human Genetics Tuebingen Variant Classification Criteria Version 2. Collection method: clinical testing. Allele origin: germline. Affected: yes. Observed: 1 variant allele.
Comment: ALDH1A3: BP4, BP7

Labcorp Genetics (formerly Invitae), Labcorp
Classification: Likely benign for Isolated microphthalmia 8. Last evaluated: 2025-08-22. Review status: criteria provided, single submitter. Criteria: Invitae Variant Classification Sherloc (09022015). Collection method: clinical testing. Allele origin: germline.

Blueprint Genetics
Classification: Likely benign. Last evaluated: 2024-11-19. Review status: criteria provided, single submitter. Criteria: ACMG Guidelines, 2015. Collection method: clinical testing. Allele origin: germline.

PreventionGenetics, part of Exact Sciences
Classification: Likely benign for ALDH1A3-related condition. Last evaluated: 2019-05-22. Review status: no assertion criteria provided. Collection method: clinical testing. Allele origin: germline. Not counted in ClinVar's aggregate classification.
Comment: This variant is classified as likely benign based on ACMG/AMP sequence variant interpretation guidelines (Richards et al. 2015 PMID: 25741868, with internal and published modifications).